The following is an entry in ClinVar:

ClinVar aggregate classification (germline): Likely benign. Review status: criteria provided, multiple submitters, no conflicts (2 of 4 stars). 4 submissions from 4 submitters: Likely benign (4). Last evaluated 2026-06-10.

Conditions:
KMT2A-related disorder. Also called: KMT2A-related condition.

Allele frequency attached by ClinVar (database versions not stated): ExAC 0.00002; gnomAD 0.00002; TOPMed 0.00003.

Submissions (4):

PreventionGenetics, part of Exact Sciences
Classification: Likely benign for KMT2A-related condition. Last evaluated: 2026-06-10. Review status: criteria provided, single submitter. Criteria: ACMG Guidelines, 2015. Collection method: clinical testing. Allele origin: germline.
Comment: This variant is classified as likely benign based on ACMG/AMP sequence variant interpretation guidelines (Richards et al. 2015 PMID: 25741868, with internal and published modifications).

Labcorp Genetics (formerly Invitae), Labcorp
Classification: Likely benign. Last evaluated: 2024-09-27. Review status: criteria provided, single submitter. Criteria: Invitae Variant Classification Sherloc (09022015). Collection method: clinical testing. Allele origin: germline.

Blueprint Genetics
Classification: Likely benign. Last evaluated: 2024-08-08. Review status: criteria provided, single submitter. Criteria: ACMG Guidelines, 2015. Collection method: clinical testing. Allele origin: germline.

CeGaT Center for Human Genetics Tuebingen
Classification: Likely benign. Last evaluated: 2022-11-01. Review status: criteria provided, single submitter. Criteria: CeGaT Center For Human Genetics Tuebingen Variant Classification Criteria Version 2. Collection method: clinical testing. Allele origin: germline. Affected: yes. Observed: 1 variant allele.
Comment: KMT2A: BP4, BP7

NM_001197104.2(KMT2A):c.10854G>A (p.Pro3618=)

Gene: KMT2A (lysine methyltransferase 2A; plus strand). Cytogenetic location: 11q23.3.
Variant type: single nucleotide variant.
Coding change: c.10854G>A on transcript NM_001197104.2 (MANE Select); coding-DNA position 10854, G replaced by A.
Protein change: p.Pro3618=; no amino-acid change (proline 3618 retained).
Molecular consequence: synonymous variant.
Genome position (GRCh38, 1-based): chr11:118,509,154, G>A. VCF-style: chr11-118509154-G-A. GRCh37 (hg19) VCF-style: chr11-118379869-G-A.
Other names: c.10944G>A, p.Pro3648= (NM_001412597.1); c.10845G>A, p.Pro3615= (NM_005933.4).
Identifiers: ClinVar variation 2642436 (VCV002642436.29), dbSNP rs782312028, ClinGen allele CA6304851.